The following is an entry in ClinVar:

NM_006059.4(LAMC3):c.2117C>G (p.Pro706Arg)

Gene: LAMC3 (laminin subunit gamma 3; plus strand). Cytogenetic location: 9q34.12.
Variant type: single nucleotide variant.
Coding change: c.2117C>G on transcript NM_006059.4 (MANE Select); coding-DNA position 2117, C replaced by G.
Protein change: p.Pro706Arg; replaces proline 706 with arginine.
Molecular consequence: missense variant.
Genome position (GRCh38, 1-based): chr9:131,057,106, C>G. VCF-style: chr9-131057106-C-G. GRCh37 (hg19) VCF-style: chr9-133932493-C-G.
Other names: short protein forms P706R.
Identifiers: ClinVar variation 1352052 (VCV001352052.6), dbSNP rs1588155192, ClinGen allele CA375266294.
Genomic context (GRCh38, chr9:131,057,106, plus strand): 5'-CCTGTGCTCCGGGATACAAGAGGGAGATGCCACAGGGGGGTCCCTATGCCAGCTGTGTCC[C>G]CTGCACCTGTAACCAGCATGGCACCTGTGACCCCAACACAGGTGAGTCTCCTGGCACCCC-3'
Protein context (NP_006050.3, residues 696-716): PQGGPYASCV[Pro706Arg]CTCNQHGTCD

ClinVar aggregate classification (germline): Uncertain significance (1 of 4 stars; one submission).

Submission:

Labcorp Genetics (formerly Invitae), Labcorp
Classification: Uncertain significance. Last evaluated: 2023-07-07. Review status: criteria provided, single submitter. Criteria: Invitae Variant Classification Sherloc (09022015). Collection method: clinical testing. Allele origin: germline.
Comment: This variant has not been reported in the literature in individuals affected with LAMC3-related conditions. In summary, the available evidence is currently insufficient to determine the role of this variant in disease. Therefore, it has been classified as a Variant of Uncertain Significance. An algorithm developed to predict the effect of missense changes on protein structure and function (PolyPhen-2) suggests that this variant is likely to be disruptive. ClinVar contains an entry for this variant (Variation ID: 1352052). This variant is not present in population databases (gnomAD no frequency). This sequence change replaces proline, which is neutral and non-polar, with arginine, which is basic and polar, at codon 706 of the LAMC3 protein (p.Pro706Arg).